The following is an entry in ClinVar:

ClinVar aggregate classification (germline): Uncertain significance (1 of 4 stars; one submission).

Conditions:
KCTD3-related disorder. Also called: KCTD3-related condition.

Submission:

PreventionGenetics, part of Exact Sciences
Classification: Uncertain significance for KCTD3-related condition. Last evaluated: 2023-07-13. Review status: criteria provided, single submitter. Criteria: ACMG Guidelines, 2015. Collection method: clinical testing. Allele origin: germline.
Comment: The KCTD3 c.785G>A variant is predicted to result in the amino acid substitution p.Ser262Asn. To our knowledge, this variant has not been reported in the literature or in a large population database, indicating this variant is rare. At this time, the clinical significance of this variant is uncertain due to the absence of conclusive functional and genetic evidence.

NM_016121.5(KCTD3):c.785G>A (p.Ser262Asn)

Gene: KCTD3 (potassium channel tetramerization domain containing 3; plus strand). Cytogenetic location: 1q41.
Variant type: single nucleotide variant.
Coding change: c.785G>A on transcript NM_016121.5 (MANE Select); coding-DNA position 785, G replaced by A.
Protein change: p.Ser262Asn; replaces serine 262 with asparagine.
Molecular consequence: missense variant.
Genome position (GRCh38, 1-based): chr1:215,586,653, G>A. VCF-style: chr1-215586653-G-A. GRCh37 (hg19) VCF-style: chr1-215759996-G-A.
Other names: c.785G>A, p.Ser262Asn (NM_001319294.2); c.479G>A, p.Ser160Asn (NM_001319295.2); short protein forms S160N, S262N.
Identifiers: ClinVar variation 2631503 (VCV002631503.1), dbSNP rs2464578030, ClinGen allele CA344906097.